The following is an entry in ClinVar:

NM_001322934.2(NFKB2):c.673dup (p.Ala225fs)

Genes: NFKB2 (nuclear factor kappa B subunit 2; plus strand), LOC121815964 (Sharpr-MPRA regulatory region 13585; plus strand). Cytogenetic location: 10q24.32.
Variant type: Duplication.
Coding change: c.673dup on transcript NM_001322934.2 (MANE Select); coding-DNA position 673, one base duplicated (G; older notation c.673dupG).
Protein change: p.Ala225fs; shifts the reading frame from alanine 225.
Molecular consequence: frameshift variant.
Genome position (GRCh38, 1-based): chr10:102,397,992, G duplicated; the last of 5 consecutive G bases (chr10:102,397,988-102,397,992); duplicating any one gives the same sequence. VCF-style (leftmost placement, unchanged base first): chr10-102397987-C-CG. GRCh37 (hg19) VCF-style: chr10-104157744-C-CG.
Other names: c.673dup, p.Ala225fs (NM_001077494.3, NM_001261403.3, NM_001288724.1 and 2 more transcripts); short protein forms A225fs.
Identifiers: ClinVar variation 1022376 (VCV001022376.6), dbSNP rs2061147687, ClinGen allele CA1932651911.
Genomic context (GRCh38, chr10:102,397,987, plus strand): 5'-AAATGTGGCCTTGGCTATTGCATCATCTCAACTAATCCATATCCCACTCCATAGAATCTC[C>CG]GGGGGCATCAAACCTGAAGATTTCTCGAATGGACAAGACAGCAGGCTCTGTGCGGGGTGG-3'

ClinVar aggregate classification (germline): Uncertain significance (1 of 4 stars; one submission).

Conditions:
Immunodeficiency, common variable, 10. Also called: DEFICIT IN ANTERIOR PITUITARY FUNCTION AND VARIABLE IMMUNODEFICIENCY; IMMUNODEFICIENCY, COMMON VARIABLE, WITH CENTRAL ADRENAL INSUFFICIENCY. Identifiers: MedGen C3809991, MONDO:0014260, OMIM 615577.

Submission:

Labcorp Genetics (formerly Invitae), Labcorp
Classification: Uncertain significance for Immunodeficiency, common variable, 10. Last evaluated: 2020-07-07. Review status: criteria provided, single submitter. Criteria: Invitae Variant Classification Sherloc (09022015). Collection method: clinical testing. Allele origin: germline.
Comment: In summary, the available evidence is currently insufficient to determine the role of this variant in disease. Therefore, it has been classified as a Variant of Uncertain Significance. The current clinical and genetic evidence is not sufficient to establish whether loss-of-function variants in NFKB2 cause disease. This variant has not been reported in the literature in individuals with NFKB2-related conditions. This variant is not present in population databases (ExAC no frequency). This sequence change creates a premature translational stop signal (p.Ala225Glyfs*21) in the NFKB2 gene. It is expected to result in an absent or disrupted protein product.